The following is an entry in ClinVar:

NM_001145860.2(POP1):c.427G>A (p.Ala143Thr)

Gene: POP1 (POP1 ribonuclease P/MRP subunit; plus strand). Cytogenetic location: 8q22.2.
Variant type: single nucleotide variant.
Coding change: c.427G>A on transcript NM_001145860.2 (MANE Select); coding-DNA position 427, G replaced by A.
Protein change: p.Ala143Thr; replaces alanine 143 with threonine.
Molecular consequence: missense variant.
Genome position (GRCh38, 1-based): chr8:98,128,481, G>A. VCF-style: chr8-98128481-G-A. GRCh37 (hg19) VCF-style: chr8-99140709-G-A.
Other names: c.427G>A, p.Ala143Thr (NM_001145861.2, NM_015029.3); short protein forms A143T.
Identifiers: ClinVar variation 1501885 (VCV001501885.8), dbSNP rs2130586701, ClinGen allele CA371788629.

ClinVar aggregate classification (germline): Uncertain significance (1 of 4 stars; one submission).

Submission:

Labcorp Genetics (formerly Invitae), Labcorp
Classification: Uncertain significance. Last evaluated: 2022-06-27. Review status: criteria provided, single submitter. Criteria: Invitae Variant Classification Sherloc (09022015). Collection method: clinical testing. Allele origin: germline.
Comment: This sequence change replaces alanine, which is neutral and non-polar, with threonine, which is neutral and polar, at codon 143 of the POP1 protein (p.Ala143Thr). This variant is not present in population databases (gnomAD no frequency). This variant has not been reported in the literature in individuals affected with POP1-related conditions. Algorithms developed to predict the effect of missense changes on protein structure and function are either unavailable or do not agree on the potential impact of this missense change (SIFT: "Tolerated"; PolyPhen-2: "Probably Damaging"; Align-GVGD: "Class C0"). In summary, the available evidence is currently insufficient to determine the role of this variant in disease. Therefore, it has been classified as a Variant of Uncertain Significance.